The following is an entry in ClinVar:

NM_001128840.3(CACNA1D):c.272G>A (p.Ser91Asn)

Gene: CACNA1D (calcium voltage-gated channel subunit alpha1 D; plus strand). Cytogenetic location: 3p21.1.
Variant type: single nucleotide variant.
Coding change: c.272G>A on transcript NM_001128840.3 (MANE Select); coding-DNA position 272, G replaced by A.
Protein change: p.Ser91Asn; replaces serine 91 with asparagine.
Molecular consequence: missense variant.
Genome position (GRCh38, 1-based): chr3:53,497,356, G>A. VCF-style: chr3-53497356-G-A. GRCh37 (hg19) VCF-style: chr3-53531383-G-A.
Other names: c.272G>A, p.Ser91Asn (NM_000720.4, NM_001128839.3); short protein forms S91N.
Identifiers: ClinVar variation 1390166 (VCV001390166.6), dbSNP rs899497986, ClinGen allele CA75053235.

ClinVar aggregate classification (germline): Uncertain significance (1 of 4 stars; one submission).

Allele frequency attached by ClinVar (database versions not stated): gnomAD exomes below 0.00001.
gnomAD v4.1: 1 of 1,614,112 alleles (0.000062%); highest among the groups gnomAD compares: Non-Finnish European, 0.000085%; no homozygotes.

Submission:

Labcorp Genetics (formerly Invitae), Labcorp
Classification: Uncertain significance. Last evaluated: 2022-04-25. Review status: criteria provided, single submitter. Criteria: Invitae Variant Classification Sherloc (09022015). Collection method: clinical testing. Allele origin: germline.
Comment: In summary, the available evidence is currently insufficient to determine the role of this variant in disease. Therefore, it has been classified as a Variant of Uncertain Significance. Algorithms developed to predict the effect of missense changes on protein structure and function are either unavailable or do not agree on the potential impact of this missense change (SIFT: "Deleterious"; PolyPhen-2: "Probably Damaging"; Align-GVGD: "Class C0"). This variant has not been reported in the literature in individuals affected with CACNA1D-related conditions. This variant is not present in population databases (gnomAD no frequency). This sequence change replaces serine, which is neutral and polar, with asparagine, which is neutral and polar, at codon 91 of the CACNA1D protein (p.Ser91Asn).